The following is an entry in ClinVar:

ClinVar aggregate classification (germline): Pathogenic. Review status: criteria provided, multiple submitters, no conflicts (2 of 4 stars). 2 submissions from 2 submitters: Pathogenic (2). Last evaluated 2022-05-17.

Conditions:
Episodic ataxia type 1 (EA1). Also called: MYOKYMIA WITH PERIODIC ATAXIA; PAROXYSMAL ATAXIA WITH NEUROMYOTONIA, HEREDITARY; Episodic ataxia/myokymia syndrome; ATAXIA, EPISODIC, WITH MYOKYMIA. Identifiers: Orphanet 37612, Orphanet 972, MedGen C1719788, MONDO:0008047, OMIM 160120.

Submissions (2):

Labcorp Genetics (formerly Invitae), Labcorp
Classification: Pathogenic for Episodic ataxia type 1. Last evaluated: 2022-05-17. Review status: criteria provided, single submitter. Criteria: Invitae Variant Classification Sherloc (09022015). Collection method: clinical testing. Allele origin: germline.
Comment: This missense change has been observed in individual(s) with neonatal onset epileptic encephalopathy (PMID: 27864847). In at least one individual the variant was observed to be de novo. This variant is not present in population databases (gnomAD no frequency). This sequence change replaces proline, which is neutral and non-polar, with leucine, which is neutral and non-polar, at codon 405 of the KCNA1 protein (p.Pro405Leu). ClinVar contains an entry for this variant (Variation ID: 447609). For these reasons, this variant has been classified as Pathogenic. Advanced modeling of protein sequence and biophysical properties (such as structural, functional, and spatial information, amino acid conservation, physicochemical variation, residue mobility, and thermodynamic stability) performed at Invitae indicates that this missense variant is expected to disrupt KCNA1 protein function.

Athena Diagnostics
Classification: Pathogenic. Last evaluated: 2016-12-22. Review status: criteria provided, single submitter. Criteria: Athena Diagnostics Criteria. Collection method: clinical testing. Allele origin: germline.

Literature cited by the submitters: PubMed 27864847 (cited by Labcorp Genetics (formerly Invitae), Labcorp and Athena Diagnostics).

NM_000217.3(KCNA1):c.1214C>T (p.Pro405Leu)

Gene: KCNA1 (potassium voltage-gated channel subfamily A member 1; plus strand). Cytogenetic location: 12p13.32.
Variant type: single nucleotide variant.
Coding change: c.1214C>T on transcript NM_000217.3 (MANE Select); coding-DNA position 1214, C replaced by T.
Protein change: p.Pro405Leu; replaces proline 405 with leucine.
Molecular consequence: missense variant.
Genome position (GRCh38, 1-based): chr12:4,912,592, C>T. VCF-style: chr12-4912592-C-T. GRCh37 (hg19) VCF-style: chr12-5021758-C-T.
Other names: short protein forms P405L.
Identifiers: ClinVar variation 447609 (VCV000447609.6), dbSNP rs1555085798, ClinGen allele CA383456286.